The following is an entry in ClinVar:

ClinVar aggregate classification (germline): Benign/Likely benign. Review status: criteria provided, multiple submitters, no conflicts (2 of 4 stars). 9 submissions from 9 submitters: Benign (4); Likely benign (4). 1 of the submissions does not count toward it. Last evaluated 2026-08-01.

Conditions:
ARID1B-Related Disorder. Identifiers: MedGen CN381337.
Inborn genetic diseases. Identifiers: MedGen C0950123, MeSH D030342.
Coffin-Siris syndrome 1 (CSS1). Also called: Mental retardation, autosomal dominant 12; ARID1B-Related Coffin-Siris Syndrome. Identifiers: Orphanet 1465, MedGen C3281201, MONDO:0007617, OMIM 135900. Disease mechanism: gain of function.

Allele frequency attached by ClinVar (database versions not stated): 1000 Genomes Project 30x 0.00109; 1000 Genomes Project 0.00120; gnomAD exomes 0.00290 and 0.00419; ExAC 0.00292; TOPMed 0.00300; gnomAD 0.00301 and 0.00312; ESP Exome Variant Server 0.00308.
gnomAD v4.1: 6,579 of 1,614,130 alleles (0.41%); highest among the groups gnomAD compares: Non-Finnish European, 0.49%; 12 homozygotes.

Submissions (9):

CeGaT Center for Human Genetics Tuebingen
Classification: Likely benign. Last evaluated: 2026-08-01. Review status: criteria provided, single submitter. Criteria: CeGaT Center For Human Genetics Tuebingen Variant Classification Criteria Version 2. Collection method: clinical testing. Allele origin: germline. Affected: yes. Observed: 22 variant alleles.
Comment: ARID1B: BP4, BP7, BS1

Labcorp Genetics (formerly Invitae), Labcorp
Classification: Benign. Last evaluated: 2026-01-27. Review status: criteria provided, single submitter. Criteria: Invitae Variant Classification Sherloc (09022015). Collection method: clinical testing. Allele origin: germline.

Blueprint Genetics
Classification: Likely benign. Last evaluated: 2024-11-26. Review status: criteria provided, single submitter. Criteria: ACMG Guidelines, 2015. Collection method: clinical testing. Allele origin: germline.

Fulgent Genetics
Classification: Likely benign for Coffin-Siris syndrome 1. Last evaluated: 2021-08-31. Review status: criteria provided, single submitter. Criteria: ACMG Guidelines, 2015. Collection method: clinical testing. Allele origin: unknown.

Genome-Nilou Lab
Classification: Benign for Coffin-Siris syndrome 1. Last evaluated: 2021-07-15. Review status: criteria provided, single submitter. Criteria: ACMG Guidelines, 2015. Collection method: clinical testing. Allele origin: germline. Affected: no.

GeneDx
Classification: Benign. Last evaluated: 2018-09-14. Review status: criteria provided, single submitter. Criteria: GeneDx Variant Classification Process June 2021. Collection method: clinical testing. Allele origin: germline. Affected: yes.

Genetic Services Laboratory, University of Chicago
Classification: Benign. Last evaluated: 2017-08-17. Review status: criteria provided, single submitter. Criteria: ACMG Guidelines, 2015. Collection method: clinical testing. Allele origin: germline. Affected: no.

Ambry Genetics
Classification: Likely benign for Inborn genetic diseases. Last evaluated: 2016-05-26. Review status: criteria provided, single submitter. Criteria: Ambry Variant Classification Scheme 2023. Collection method: clinical testing. Allele origin: germline.

PreventionGenetics, part of Exact Sciences
Classification: Benign for ARID1B-related condition. Last evaluated: 2021-05-24. Review status: no assertion criteria provided. Collection method: clinical testing. Allele origin: germline. Not counted in ClinVar's aggregate classification.
Comment: This variant is classified as benign based on ACMG/AMP sequence variant interpretation guidelines (Richards et al. 2015 PMID: 25741868, with internal and published modifications).

NM_001374828.1(ARID1B):c.3768C>T (p.Thr1256=)

Gene: ARID1B (AT-rich interaction domain 1B; plus strand). Cytogenetic location: 6q25.3.
Variant type: single nucleotide variant.
Coding change: c.3768C>T on transcript NM_001374828.1 (MANE Select); coding-DNA position 3768, C replaced by T.
Protein change: p.Thr1256=; no amino-acid change (threonine 1256 retained).
Molecular consequence: synonymous variant.
Genome position (GRCh38, 1-based): chr6:157,184,284, C>T. VCF-style: chr6-157184284-C-T. GRCh37 (hg19) VCF-style: chr6-157505418-C-T.
Other names: c.3399C>T, p.Thr1133= (NM_020732.3); c.1269C>T, p.Thr423= (NM_001363725.2); c.3648C>T, p.Thr1216= (NM_001371656.1, NM_001374820.1); c.3609C>T, p.Thr1203= (NM_017519.3).
Identifiers: ClinVar variation 434360 (VCV000434360.52), dbSNP rs142391292, ClinGen allele CA4067405.